The following is an entry in ClinVar:

ClinVar aggregate classification (germline): Uncertain significance (1 of 4 stars; one submission).

Submission:

Labcorp Genetics (formerly Invitae), Labcorp
Classification: Uncertain significance. Last evaluated: 2022-03-17. Review status: criteria provided, single submitter. Criteria: Invitae Variant Classification Sherloc (09022015). Collection method: clinical testing. Allele origin: germline.
Comment: This sequence change replaces glutamic acid, which is acidic and polar, with lysine, which is basic and polar, at codon 219 of the SLC1A4 protein (p.Glu219Lys). This variant is not present in population databases (gnomAD no frequency). This variant has not been reported in the literature in individuals affected with SLC1A4-related conditions. Algorithms developed to predict the effect of missense changes on protein structure and function output the following: SIFT: "Tolerated"; PolyPhen-2: "Benign"; Align-GVGD: "Class C0". The lysine amino acid residue is found in multiple mammalian species, which suggests that this missense change does not adversely affect protein function. In summary, the available evidence is currently insufficient to determine the role of this variant in disease. Therefore, it has been classified as a Variant of Uncertain Significance.

NM_003038.5(SLC1A4):c.655G>A (p.Glu219Lys)

Gene: SLC1A4 (solute carrier family 1 member 4; plus strand). Cytogenetic location: 2p14.
Variant type: single nucleotide variant.
Coding change: c.655G>A on transcript NM_003038.5 (MANE Select); coding-DNA position 655, G replaced by A.
Protein change: p.Glu219Lys; replaces glutamic acid 219 with lysine.
Molecular consequence: missense variant. On other transcripts: 5 prime UTR variant (3).
Genome position (GRCh38, 1-based): chr2:65,010,618, G>A. VCF-style: chr2-65010618-G-A. GRCh37 (hg19) VCF-style: chr2-65237752-G-A.
Other names: c.-6G>A (NM_001193493.2, NM_001348406.2, NM_001348407.2); short protein forms E219K.
Identifiers: ClinVar variation 2111865 (VCV002111865.4), dbSNP rs2528561565, ClinGen allele CA347007546.